The following is an entry in ClinVar:

NM_004168.4(SDHA):c.1471G>T (p.Glu491Ter)

Gene: SDHA (succinate dehydrogenase complex flavoprotein subunit A; plus strand). Cytogenetic location: 5p15.33.
Variant type: single nucleotide variant.
Coding change: c.1471G>T on transcript NM_004168.4 (MANE Select); coding-DNA position 1471, G replaced by T.
Protein change: p.Glu491Ter; replaces glutamic acid 491 with a stop codon.
Molecular consequence: nonsense.
Genome position (GRCh38, 1-based): chr5:240,396, G>T. VCF-style: chr5-240396-G-T. GRCh37 (hg19) VCF-style: chr5-240511-G-T.
Other names: c.1327G>T, p.Glu443Ter (NM_001294332.2); c.1471G>T, p.Glu491Ter (NM_001330758.2); short protein forms E491*, E443*.
Identifiers: ClinVar variation 472289 (VCV000472289.62), dbSNP rs778207102, ClinGen allele CA3173260.

ClinVar aggregate classification (germline): Pathogenic/Likely pathogenic. Review status: criteria provided, multiple submitters, no conflicts (2 of 4 stars). 9 submissions from 9 submitters: Pathogenic (7); Likely pathogenic (2). Last evaluated 2026-08-02.

Conditions:
SDHA-related disorder. Also called: SDHA-related disorders; SDHA-related condition.
Pheochromocytoma/paraganglioma syndrome 5. Also called: Paragangliomas 5; SDHA-Related Hereditary Paraganglioma-Pheochromocytoma Syndrome. Identifiers: Orphanet 29072, MedGen C3279992, MONDO:0013602, OMIM 614165.
Hereditary cancer-predisposing syndrome. Also called: Hereditary neoplastic syndrome; Tumor predisposition; Neoplastic Syndromes, Hereditary; Hereditary Cancer Syndrome. Identifiers: Orphanet 140162, MedGen C0027672, MeSH D009386, MONDO:0015356.
Dilated cardiomyopathy 1GG (CMD1GG). Identifiers: Orphanet 154, MedGen C3150898, MONDO:0013339, OMIM 613642.
Neurodegeneration with ataxia and late-onset optic atrophy. Identifiers: MedGen C5543254, MONDO:0031006, OMIM 619259.
Mitochondrial complex II deficiency, nuclear type 1. Also called: SUCCINATE CoQ REDUCTASE DEFICIENCY. Identifiers: Orphanet 3208, MedGen C5700310, MONDO:0100294, OMIM 252011.

Allele frequency attached by ClinVar (database versions not stated): gnomAD exomes below 0.00001 and 0.00001; ExAC 0.00001; gnomAD 0.00001; TOPMed 0.00001.
gnomAD v4.1: 10 of 1,609,890 alleles (0.00062%); highest among the groups gnomAD compares: Non-Finnish European, 0.00085%; no homozygotes.

Submissions (9):

PreventionGenetics, part of Exact Sciences
Classification: Pathogenic for SDHA-related condition. Last evaluated: 2026-08-02. Review status: criteria provided, single submitter. Criteria: ACMG Guidelines, 2015. Collection method: clinical testing. Allele origin: germline.
Comment: The SDHA c.1471G>T variant is predicted to result in premature protein termination (p.Glu491*). This variant has been reported in an individuals with osteosarcoma (Table S5 in Mirabello et al. 2020. PubMed ID: 32191290) and paraganglioma (Ding et al. 2022. PubMed ID: 35546442). This variant is reported in 0.00088% of alleles in individuals of European (Non-Finnish) descent in gnomAD and is classified as likely pathogenic or pathogenic in ClinVar (Variation ID: 472289). Nonsense variants in SDHA are expected to be pathogenic. This variant is interpreted as pathogenic.

GeneDx
Classification: Pathogenic. Last evaluated: 2026-04-26. Review status: criteria provided, single submitter. Criteria: GeneDx Variant Classification Process June 2021. Collection method: clinical testing. Allele origin: germline.
Comment: Nonsense variant predicted to result in protein truncation or nonsense mediated decay in a gene for which loss of function is a known mechanism of disease; Identified in an individual with osteosarcoma in published literature (PMID: 32191290); Not observed at significant frequency in large population cohorts (gnomAD); This variant is associated with the following publications: (PMID: 37864521, 23109135, 28546994, 35546442, 24781757, 40974092, 32191290)

Labcorp Genetics (formerly Invitae), Labcorp
Classification: Pathogenic for Pheochromocytoma/paraganglioma syndrome 5; Mitochondrial complex II deficiency, nuclear type 1. Last evaluated: 2025-01-23. Review status: criteria provided, single submitter. Criteria: Invitae Variant Classification Sherloc (09022015). Collection method: clinical testing. Allele origin: germline.
Comment: This sequence change creates a premature translational stop signal (p.Glu491*) in the SDHA gene. It is expected to result in an absent or disrupted protein product. Loss-of-function variants in SDHA are known to be pathogenic (PMID: 22974104, 24781757). This variant is present in population databases (rs778207102, gnomAD 0.0009%). This variant has not been reported in the literature in individuals affected with SDHA-related conditions. ClinVar contains an entry for this variant (Variation ID: 472289). For these reasons, this variant has been classified as Pathogenic.

Ambry Genetics
Classification: Pathogenic for Hereditary cancer-predisposing syndrome. Last evaluated: 2024-10-28. Review status: criteria provided, single submitter. Criteria: Ambry Variant Classification Scheme 2023. Collection method: clinical testing. Allele origin: germline.
Comment: The p.E491* pathogenic mutation (also known as c.1471G>T), located in coding exon 11 of the SDHA gene, results from a G to T substitution at nucleotide position 1471. This changes the amino acid from a glutamic acid to a stop codon within coding exon 11. This variant is considered to be rare based on population cohorts in the Genome Aggregation Database (gnomAD). This alteration is expected to result in loss of function by premature protein truncation or nonsense-mediated mRNA decay. As such, this alteration is interpreted as a disease-causing mutation.

Women's Health and Genetics/Laboratory Corporation of America, LabCorp
Classification: Pathogenic for Neurodegeneration with ataxia and late-onset optic atrophy. Last evaluated: 2024-04-30. Review status: criteria provided, single submitter. Criteria: LabCorp Variant Classification Summary - May 2015. Collection method: clinical testing. Allele origin: germline.
Comment: Variant summary: SDHA c.1471G>T (p.Glu491X) results in a premature termination codon, predicted to cause a truncation of the encoded protein or absence of the protein due to nonsense mediated decay, which are commonly known mechanisms for disease. The variant allele was found at a frequency of 4e-06 in 249978 control chromosomes. c.1471G>T has been reported in the literature in at least one individual affected with paraganglioma (example: Ding_2022). The following publication has been ascertained in the context of this evaluation (PMID: 35546442). ClinVar contains an entry for this variant (Variation ID: 472289). Based on the evidence outlined above, the variant was classified as pathogenic.

Myriad Genetics, Inc.
Classification: Pathogenic for Pheochromocytoma/paraganglioma syndrome 5. Last evaluated: 2024-02-08. Review status: criteria provided, single submitter. Criteria: Myriad Autosomal Dominant, Autosomal Recessive and X-Linked Classification Criteria (2023). Collection method: clinical testing. Allele origin: unknown.
Comment: This variant is considered pathogenic. This variant creates a termination codon and is predicted to result in premature protein truncation.

Genetic Services Laboratory, University of Chicago
Classification: Likely pathogenic. Last evaluated: 2024-01-16. Review status: criteria provided, single submitter. Criteria: ACMG Guidelines, 2015. Collection method: clinical testing. Allele origin: germline. Affected: yes.
Comment: DNA sequence analysis of the SDHA gene demonstrated a sequence change, c.1471G>T, which results in the creation of a premature stop codon at amino acid position 491, p.Glu491*. This likely pathogenic sequence change is predicted to result in an abnormal transcript, which may be degraded, or may lead to the production of a truncated SDHA protein with potentially abnormal function. This sequence change has been described in the gnomAD database in one individual which corresponds to a population frequency of 0.0004% (dbSNP rs778207102). This sequence change has previously been described in an individual with osteosarcoma (PMID: 32191290). This sequence change has not been previously described in individuals with SDHA-related PGL/PCC, however, other truncating variants downstream of this sequence change have been described in individuals with SDHA-related tumors (PMIDs: 22974104, 30877234, 26556299, 34308366).

Baylor Genetics
Classification: Likely pathogenic for Dilated cardiomyopathy 1GG. Last evaluated: 2023-08-18. Review status: criteria provided, single submitter. Criteria: ACMG Guidelines, 2015. Collection method: clinical testing. Allele origin: unknown.

CeGaT Center for Human Genetics Tuebingen
Classification: Pathogenic. Last evaluated: 2018-03-01. Review status: criteria provided, single submitter. Criteria: CeGaT Center For Human Genetics Tuebingen Variant Classification Criteria Version 2. Collection method: clinical testing. Allele origin: germline. Affected: yes. Observed: 1 variant allele.

Literature cited by the submitters: PubMed 22974104 (cited by Labcorp Genetics (formerly Invitae), Labcorp); PubMed 24781757 (cited by Labcorp Genetics (formerly Invitae), Labcorp); PubMed 35546442 (cited by Women's Health and Genetics/Laboratory Corporation of America, LabCorp).